The following is an entry in ClinVar:

NM_016169.4(SUFU):c.756+10G>T

Gene: SUFU (SUFU negative regulator of hedgehog signaling; plus strand). Cytogenetic location: 10q24.32.
Variant type: single nucleotide variant.
Coding change: c.756+10G>T on transcript NM_016169.4 (MANE Select); 10 bases into the intron after coding-DNA position 756, G replaced by T.
Molecular consequence: intron variant.
Genome position (GRCh38, 1-based): chr10:102,594,075, G>T. VCF-style: chr10-102594075-G-T. GRCh37 (hg19) VCF-style: chr10-104353832-G-T.
Other names: c.756+10G>T (NM_001178133.2).
Identifiers: ClinVar variation 2941550 (VCV002941550.4), dbSNP rs764838079, ClinGen allele CA2740093530.

ClinVar aggregate classification (germline): Conflicting classifications of pathogenicity. Review status: criteria provided, conflicting classifications (1 of 4 stars). 2 submissions from 2 submitters: Uncertain significance (1); Likely benign (1). Last evaluated 2025-03-04.

Conditions:
Gorlin syndrome. Also called: Nevoid Basal Cell Carcinoma Syndrome; Basal cell nevus syndrome. Identifiers: Orphanet 377, MedGen C0004779, MONDO:0007187.
Medulloblastoma (MDB). Also called: MEDULLOBLASTOMA PREDISPOSITION SYNDROME; Medulloblastoma, somatic. Identifiers: Orphanet 616, MedGen C0025149, MeSH D008527, MONDO:0007959, OMIM 155255, HP:0002885.

Submissions (2):

Center for Genomic Medicine, Rigshospitalet, Copenhagen University Hospital
Classification: Likely benign. Last evaluated: 2025-03-04. Review status: criteria provided, single submitter. Criteria: ACMG Guidelines, 2015. Collection method: clinical testing. Allele origin: germline.

Labcorp Genetics (formerly Invitae), Labcorp
Classification: Uncertain significance for Gorlin syndrome; Medulloblastoma. Last evaluated: 2022-11-14. Review status: criteria provided, single submitter. Criteria: Invitae Variant Classification Sherloc (09022015). Collection method: clinical testing. Allele origin: germline.
Comment: In summary, the available evidence is currently insufficient to determine the role of this variant in disease. Therefore, it has been classified as a Variant of Uncertain Significance. Algorithms developed to predict the effect of sequence changes on RNA splicing suggest that this variant may disrupt the consensus splice site. This variant has not been reported in the literature in individuals affected with SUFU-related conditions. This variant is not present in population databases (gnomAD no frequency). This sequence change falls in intron 6 of the SUFU gene. It does not directly change the encoded amino acid sequence of the SUFU protein.